The following is an entry in ClinVar:

ClinVar aggregate classification (germline): Uncertain significance (1 of 4 stars; one submission).

Conditions:
Inborn genetic diseases. Identifiers: MedGen C0950123, MeSH D030342.

gnomAD v4.1: 2 of 1,614,082 alleles (0.00012%); highest among the groups gnomAD compares: East Asian, 0.0022%; no homozygotes.

Submission:

Ambry Genetics
Classification: Uncertain significance for Inborn genetic diseases. Last evaluated: 2025-06-22. Review status: criteria provided, single submitter. Criteria: Ambry Variant Classification Scheme 2023. Collection method: clinical testing. Allele origin: germline.
Comment: The p.L964F variant (also known as c.2890C>T), located in coding exon 30 of the FANCA gene, results from a C to T substitution at nucleotide position 2890. The leucine at codon 964 is replaced by phenylalanine, an amino acid with highly similar properties. This amino acid position is conserved. In addition, the in silico prediction for this alteration is inconclusive. Based on the available evidence, the clinical significance of this variant remains unclear.

NM_000135.4(FANCA):c.2890C>T (p.Leu964Phe)

Gene: FANCA (FA complementation group A; minus strand). Cytogenetic location: 16q24.3.
Variant type: single nucleotide variant.
Coding change: c.2890C>T on transcript NM_000135.4 (MANE Select); coding-DNA position 2890, C replaced by T.
Protein change: p.Leu964Phe; replaces leucine 964 with phenylalanine.
Molecular consequence: missense variant.
Genome position (GRCh38, 1-based): chr16:89,758,668, G>A on the plus strand (C>T on the coding strand, the complement: FANCA is on the minus strand). VCF-style: chr16-89758668-G-A. GRCh37 (hg19) VCF-style: chr16-89825076-G-A.
Other names: c.2890C>T, p.Leu964Phe (NM_001286167.3); short protein forms L964F.
Identifiers: ClinVar variation 4254145 (VCV004254145.1).